The following is an entry in ClinVar:

NM_001036.6(RYR3):c.9142C>T (p.Arg3048Cys)

Gene: RYR3 (ryanodine receptor 3; plus strand). Cytogenetic location: 15q14.
Variant type: single nucleotide variant.
Coding change: c.9142C>T on transcript NM_001036.6 (MANE Select); coding-DNA position 9142, C replaced by T.
Protein change: p.Arg3048Cys; replaces arginine 3048 with cysteine.
Molecular consequence: missense variant.
Genome position (GRCh38, 1-based): chr15:33,780,215, C>T. VCF-style: chr15-33780215-C-T. GRCh37 (hg19) VCF-style: chr15-34072416-C-T.
Other names: c.9142C>T, p.Arg3048Cys (NM_001243996.4); short protein forms R3048C.
Identifiers: ClinVar variation 846981 (VCV000846981.10), dbSNP rs763223227, ClinGen allele CA7460436.

ClinVar aggregate classification (germline): Uncertain significance. Review status: criteria provided, multiple submitters, no conflicts (2 of 4 stars). 2 submissions from 2 submitters: Uncertain significance (2). Last evaluated 2023-09-16.

Conditions:
Epileptic encephalopathy. Identifiers: MedGen C0543888, HP:0200134.

Allele frequency attached by ClinVar (database versions not stated): ExAC 0.00001; gnomAD exomes 0.00002; gnomAD 0.00003 and 0.00004; TOPMed 0.00005.
gnomAD v4.1: 29 of 1,613,334 alleles (0.0018%); highest among the groups gnomAD compares: African/African-American, 0.0093%; no homozygotes.

Submissions (2):

Women's Health and Genetics/Laboratory Corporation of America, LabCorp
Classification: Uncertain significance. Last evaluated: 2023-09-16. Review status: criteria provided, single submitter. Criteria: LabCorp Variant Classification Summary - May 2015. Collection method: clinical testing. Allele origin: germline.
Comment: Variant summary: RYR3 c.9142C>T (p.Arg3048Cys) results in a non-conservative amino acid change in the encoded protein sequence. Five of five in-silico tools predict a damaging effect of the variant on protein function. The variant allele was found at a frequency of 2.4e-05 in 247994 control chromosomes (gnomAD). The available data on variant occurrences in the general population are insufficient to allow any conclusion about variant significance. c.9142C>T has been reported in the literature in at least one compound heterozygous individual affected with Autism Spectrum Disorder (e.g., Nguyen_2016, no PMID). This report does not provide unequivocal conclusions about association of the variant with Congenital Myopathy. To our knowledge, no experimental evidence demonstrating an impact on protein function has been reported. One submitter has reported clinical-significance assessments for this variant to ClinVar after 2014 and has classified the variant as uncertain significance. Based on the evidence outlined above, the variant was classified as uncertain significance.

Labcorp Genetics (formerly Invitae), Labcorp
Classification: Uncertain significance for Epileptic encephalopathy. Last evaluated: 2019-03-07. Review status: criteria provided, single submitter. Criteria: Invitae Variant Classification Sherloc (09022015). Collection method: clinical testing. Allele origin: germline.
Comment: In summary, the available evidence is currently insufficient to determine the role of this variant in disease. Therefore, it has been classified as a Variant of Uncertain Significance. Algorithms developed to predict the effect of missense changes on protein structure and function are either unavailable or do not agree on the potential impact of this missense change (SIFT: "Deleterious"; PolyPhen-2: "Possibly Damaging"; Align-GVGD: "Class C0"). This variant has not been reported in the literature in individuals with RYR3-related conditions. This variant is present in population databases (rs763223227, ExAC 0.01%). This sequence change replaces arginine with cysteine at codon 3048 of the RYR3 protein (p.Arg3048Cys). The arginine residue is moderately conserved and there is a large physicochemical difference between arginine and cysteine.